The following is an entry in ClinVar:

ClinVar aggregate classification (germline): Uncertain significance (1 of 4 stars; one submission).

gnomAD v4.1: 7 of 1,534,548 alleles (0.00046%); highest among the groups gnomAD compares: Admixed American, 0.002%; no homozygotes.

Submission:

Dasa
Classification: Uncertain significance. Last evaluated: 2025-11-07. Review status: criteria provided, single submitter. Criteria: DASA Assertion Criteria. Collection method: clinical testing. Allele origin: germline.
Comment: NM_001378405.1(NFIX):c.75+6T>A is a splice-region variant. This variant is rare in population databases. The currently available literature and clinical evidence are not sufficient to establish a definitive association between this variant and the reported condition. Therefore, this variant is classified as a variant of uncertain significance.

NM_001365902.3(NFIX):c.28-296T>A

Gene: NFIX (nuclear factor I X; plus strand). Cytogenetic location: 19p13.13.
Variant type: single nucleotide variant.
Coding change: c.28-296T>A on transcript NM_001365902.3 (MANE Select); 296 bases into the intron before coding-DNA position 28, T replaced by A.
Molecular consequence: intron variant.
Genome position (GRCh38, 1-based): chr19:13,024,725, T>A. VCF-style: chr19-13024725-T-A. GRCh37 (hg19) VCF-style: chr19-13135539-T-A.
Other names: c.28-296T>A (NM_002501.4, NM_001365982.2); c.4-296T>A (NM_001378404.1, NM_001271044.3, NM_001440616.1 and 1 more transcripts); c.75+6T>A (NM_001378405.1); c.-115+43T>A (NM_001365983.2); c.51+41T>A (NM_001271043.2).
Identifiers: ClinVar variation 4886143 (VCV004886143.2).
Genomic context (GRCh38, chr19:13,024,725, plus strand): 5'-CGGGGATACCAGCAGCGTGTGTGTGTGGACGGCAACGTTGTCTGTGCGCGTGTGTGTGAG[T>A]GAGTGAGGGAGAGAGAGAGAGAATAGGTGTGTGTAGAGGCTCCCGGTGCCTCTGTCTGGC-3'